The following is an entry in ClinVar:

ClinVar aggregate classification (germline): Uncertain significance. Review status: criteria provided, multiple submitters, no conflicts (2 of 4 stars). 2 submissions from 2 submitters: Uncertain significance (2). Last evaluated 2025-12-08.

Conditions:
Cardiovascular phenotype. Identifiers: MedGen CN230736.
Congenital primary aphakia. Also called: Anterior segment dysgenesis 2, multiple subtypes; ANTERIOR SEGMENT DYSGENESIS 2. Identifiers: Orphanet 83461, MedGen C1853230, MONDO:0012456, OMIM 610256.
Anterior segment dysgenesis. Also called: Ocular anterior segment dysgenesis. Identifiers: Orphanet 88632, MedGen C1862839, MONDO:0019503, HP:0007700.

Allele frequency attached by ClinVar (database versions not stated): gnomAD 0.00002; TOPMed 0.00003; gnomAD exomes 0.00005; ExAC 0.00009.

Submissions (2):

Labcorp Genetics (formerly Invitae), Labcorp
Classification: Uncertain significance for Anterior segment dysgenesis; Congenital primary aphakia. Last evaluated: 2025-12-08. Review status: criteria provided, single submitter. Criteria: Invitae Variant Classification Sherloc (09022015). Collection method: clinical testing. Allele origin: germline.
Comment: This sequence change replaces glycine, which is neutral and non-polar, with glutamic acid, which is acidic and polar, at codon 181 of the FOXE3 protein (p.Gly181Glu). This variant is present in population databases (rs754614447, gnomAD 0.01%). This variant has not been reported in the literature in individuals affected with FOXE3-related conditions. ClinVar contains an entry for this variant (Variation ID: 956742). Invitae Evidence Modeling of protein sequence and biophysical properties (such as structural, functional, and spatial information, amino acid conservation, physicochemical variation, residue mobility, and thermodynamic stability) indicates that this missense variant is not expected to disrupt FOXE3 protein function with a negative predictive value of 95%. In summary, the available evidence is currently insufficient to determine the role of this variant in disease. Therefore, it has been classified as a Variant of Uncertain Significance.

Ambry Genetics
Classification: Uncertain significance for Cardiovascular phenotype. Last evaluated: 2024-06-25. Review status: criteria provided, single submitter. Criteria: Ambry Variant Classification Scheme 2023. Collection method: clinical testing. Allele origin: germline.
Comment: The p.G181E variant (also known as c.542G>A), located in coding exon 1 of the FOXE3 gene, results from a G to A substitution at nucleotide position 542. The glycine at codon 181 is replaced by glutamic acid, an amino acid with similar properties. This amino acid position is conserved on limited sequence alignment. In addition, this alteration is predicted to be tolerated by in silico analysis. Based on the available evidence, the clinical significance of this variant remains unclear.

NM_012186.3(FOXE3):c.542G>A (p.Gly181Glu)

Genes: FOXE3 (forkhead box E3; plus strand), LINC01389 (long independently transcribed non-coding RNA 1389; minus strand). Cytogenetic location: 1p33.
Variant type: single nucleotide variant.
Coding change: c.542G>A on transcript NM_012186.3 (MANE Select); coding-DNA position 542, G replaced by A.
Protein change: p.Gly181Glu; replaces glycine 181 with glutamic acid.
Molecular consequence: missense variant.
Genome position (GRCh38, 1-based): chr1:47,416,857, G>A. VCF-style: chr1-47416857-G-A. GRCh37 (hg19) VCF-style: chr1-47882529-G-A.
Other names: short protein forms G181E.
Identifiers: ClinVar variation 956742 (VCV000956742.11), dbSNP rs754614447, ClinGen allele CA842995.